The following is an entry in ClinVar:

NM_000051.4(ATM):c.9144T>C (p.Leu3048=)

Genes: ATM (ATM serine/threonine kinase; plus strand), C11orf65 (chromosome 11 open reading frame 65; minus strand). Cytogenetic location: 11q22.3.
Variant type: single nucleotide variant.
Coding change: c.9144T>C on transcript NM_000051.4 (MANE Select); coding-DNA position 9144, T replaced by C.
Protein change: p.Leu3048=; no amino-acid change (leucine 3048 retained).
Molecular consequence: synonymous variant. On other transcripts: intron variant (2).
Genome position (GRCh38, 1-based): chr11:108,365,481, T>C. VCF-style: chr11-108365481-T-C. GRCh37 (hg19) VCF-style: chr11-108236208-T-C.
Other names: c.9144T>C, p.Leu3048= (NM_001351834.2); c.640+20439A>G (NM_001330368.2); c.694+20439A>G (NM_001351110.2).
Identifiers: ClinVar variation 1578610 (VCV001578610.12), dbSNP rs2137927802, ClinGen allele CA476745305.
Genomic context (GRCh38, chr11:108,365,481, plus strand): 5'-TGGTGGACAAGTGAATTTGCTCATACAGCAGGCCATAGACCCCAAAAATCTCAGCCGACT[T>C]TTCCCAGGATGGAAAGCTTGGGTGTGATCTTCAGTATATGAATTACCCTTTCATTCAGCC-3'
Protein context (NP_000042.3, residues 3038-3056): QAIDPKNLSR[Leu3048=]FPGWKAWV

ClinVar aggregate classification (germline): Benign/Likely benign. Review status: criteria provided, multiple submitters, no conflicts (2 of 4 stars). 3 submissions from 3 submitters: Benign (1); Likely benign (2). Last evaluated 2025-01-17.

Conditions:
Ataxia-telangiectasia syndrome (AT). Also called: LOUIS-BAR SYNDROME; Cerebello-oculocutaneous telangiectasia; Immunodeficiency with ataxia telangiectasia; Ataxia telangiectasia (A-T); Ataxia-telangiectasia, complementation group D; AT, COMPLEMENTATION GROUP C. Identifiers: Orphanet 100, MedGen C0004135, MONDO:0008840, OMIM 208900.
Familial cancer of breast. Also called: BREAST CANCER, FAMILIAL; Hereditary breast cancer; hereditary breast carcinoma. Identifiers: Orphanet 227535, MedGen C0346153, MONDO:0016419, OMIM 114480. Disease mechanism: loss of function.
Hereditary cancer-predisposing syndrome. Also called: Neoplastic Syndromes, Hereditary; Tumor predisposition; Hereditary Cancer Syndrome; Hereditary neoplastic syndrome. Identifiers: Orphanet 140162, MedGen C0027672, MeSH D009386, MONDO:0015356.

Submissions (3):

Labcorp Genetics (formerly Invitae), Labcorp
Classification: Likely benign for Ataxia-telangiectasia syndrome. Last evaluated: 2025-01-17. Review status: criteria provided, single submitter. Criteria: Invitae Variant Classification Sherloc (09022015). Collection method: clinical testing. Allele origin: germline.

Myriad Genetics, Inc.
Classification: Benign for Familial cancer of breast. Last evaluated: 2024-06-25. Review status: criteria provided, single submitter. Criteria: Myriad Autosomal Dominant, Autosomal Recessive and X-Linked Classification Criteria (2023). Collection method: clinical testing. Allele origin: unknown.
Comment: This variant is considered benign. This variant is a silent/synonymous amino acid change and it is not expected to impact splicing.

Ambry Genetics
Classification: Likely benign for Hereditary cancer-predisposing syndrome. Last evaluated: 2021-07-18. Review status: criteria provided, single submitter. Criteria: Ambry Variant Classification Scheme 2023. Collection method: clinical testing. Allele origin: germline.